The following is an entry in ClinVar:

NM_013266.4(CTNNA3):c.1501A>G (p.Thr501Ala)

Gene: CTNNA3 (catenin alpha 3; minus strand). Cytogenetic location: 10q21.3.
Variant type: single nucleotide variant.
Coding change: c.1501A>G on transcript NM_013266.4 (MANE Select); coding-DNA position 1501, A replaced by G.
Protein change: p.Thr501Ala; replaces threonine 501 with alanine.
Molecular consequence: missense variant.
Genome position (GRCh38, 1-based): chr10:66,520,647, T>C on the plus strand (A>G on the coding strand, the complement: CTNNA3 is on the minus strand). VCF-style: chr10-66520647-T-C. GRCh37 (hg19) VCF-style: chr10-68280405-T-C.
Other names: c.1501A>G, p.Thr501Ala (NM_001127384.3); short protein forms T501A.
Identifiers: ClinVar variation 3010142 (VCV003010142.3), dbSNP rs1482259667, ClinGen allele CA377091250.

ClinVar aggregate classification (germline): Uncertain significance (1 of 4 stars; one submission).

Conditions:
Arrhythmogenic right ventricular dysplasia 13. Also called: ARRHYTHMOGENIC RIGHT VENTRICULAR CARDIOMYOPATHY 13; Arrhythmogenic right ventricular dysplasia, familial, 13. Identifiers: MedGen C3810138, MONDO:0000908, OMIM 615616.

Allele frequency attached by ClinVar (database versions not stated): gnomAD exomes below 0.00001.
gnomAD v4.1: 2 of 1,610,202 alleles (0.00012%); highest among the groups gnomAD compares: Admixed American, 0.0017%; no homozygotes.

Submission:

Labcorp Genetics (formerly Invitae), Labcorp
Classification: Uncertain significance for Arrhythmogenic right ventricular dysplasia 13. Last evaluated: 2023-09-17. Review status: criteria provided, single submitter. Criteria: Invitae Variant Classification Sherloc (09022015). Collection method: clinical testing. Allele origin: germline.
Comment: This sequence change replaces threonine, which is neutral and polar, with alanine, which is neutral and non-polar, at codon 501 of the CTNNA3 protein (p.Thr501Ala). The frequency data for this variant in the population databases is considered unreliable, as metrics indicate poor data quality at this position in the gnomAD database. This variant has not been reported in the literature in individuals affected with CTNNA3-related conditions. Advanced modeling of protein sequence and biophysical properties (such as structural, functional, and spatial information, amino acid conservation, physicochemical variation, residue mobility, and thermodynamic stability) has been performed at Invitae for this missense variant, however the output from this modeling did not meet the statistical confidence thresholds required to predict the impact of this variant on CTNNA3 protein function. In summary, the available evidence is currently insufficient to determine the role of this variant in disease. Therefore, it has been classified as a Variant of Uncertain Significance.